The following is an entry in ClinVar:

ClinVar aggregate classification (germline): Benign/Likely benign. Review status: criteria provided, multiple submitters, no conflicts (2 of 4 stars). 4 submissions from 4 submitters: Benign (1); Likely benign (3). Last evaluated 2025-03-20.

Conditions:
Familial thoracic aortic aneurysm and aortic dissection (TAAD). Also called: Thoracic aortic aneurysms and dissections. Identifiers: Orphanet 91387, MedGen C4707243, MONDO:0019625.
Hereditary cancer-predisposing syndrome. Also called: Tumor predisposition; Neoplastic Syndromes, Hereditary; Hereditary neoplastic syndrome; Hereditary Cancer Syndrome. Identifiers: Orphanet 140162, MedGen C0027672, MeSH D009386, MONDO:0015356.
Juvenile polyposis syndrome (JPS). Identifiers: Orphanet 2929, MedGen C0345893, MONDO:0017380, OMIM 174900.
Juvenile polyposis/hereditary hemorrhagic telangiectasia syndrome (JPHT). Also called: Juvenile Polyposis Syndrome / Hereditary Hemorrhagic Telangiectasia (JPS/HHT); JP/HHT SYNDROME; JUVENILE POLYPOSIS WITH HEREDITARY HEMORRHAGIC TELANGIECTASIA; POLYPOSIS, GENERALIZED JUVENILE, WITH PULMONARY ARTERIOVENOUS MALFORMATION; TELANGIECTASIA, HEREDITARY HEMORRHAGIC, WITH JUVENILE POLYPOSIS COLI. Identifiers: Orphanet 2929, MedGen C1832942, MONDO:0008278, OMIM 175050.

Allele frequency attached by ClinVar (database versions not stated): gnomAD exomes below 0.00001.
gnomAD v4.1: 1 of 1,613,206 alleles (0.000062%); highest among the groups gnomAD compares: Admixed American, 0.0017%; no homozygotes.

Submissions (4):

Myriad Genetics, Inc.
Classification: Benign for Juvenile polyposis/hereditary hemorrhagic telangiectasia syndrome. Last evaluated: 2025-03-20. Review status: criteria provided, single submitter. Criteria: Myriad Autosomal Dominant, Autosomal Recessive and X-Linked Classification Criteria (2023). Collection method: clinical testing. Allele origin: unknown.
Comment: This variant is considered benign. This variant is a silent/synonymous amino acid change and it is not expected to impact splicing.

Labcorp Genetics (formerly Invitae), Labcorp
Classification: Likely benign for Juvenile polyposis syndrome. Last evaluated: 2024-12-16. Review status: criteria provided, single submitter. Criteria: Invitae Variant Classification Sherloc (09022015). Collection method: clinical testing. Allele origin: germline.

All of Us Research Program, National Institutes of Health
Classification: Likely benign for Juvenile polyposis/hereditary hemorrhagic telangiectasia syndrome. Last evaluated: 2023-12-13. Review status: criteria provided, single submitter. Criteria: ACMG Guidelines, 2015. Collection method: clinical testing. Allele origin: germline. Inheritance: Autosomal dominant inheritance. Observed: 2 variant alleles, 2 heterozygotes.
Comment: This study involves interpretation of variants in research participants for the purpose of population health screening. Participant phenotype was not available at the time of variant classification. Additional details can be found in publication PMID: 35346344, PMCID: PMC8962531

Ambry Genetics
Classification: Likely benign for Hereditary cancer-predisposing syndrome; Familial thoracic aortic aneurysm and aortic dissection. Last evaluated: 2015-07-30. Review status: criteria provided, single submitter. Criteria: Ambry Variant Classification Scheme 2023. Collection method: clinical testing. Allele origin: germline.

NM_005359.6(SMAD4):c.921G>A (p.Glu307=)

Gene: SMAD4 (SMAD family member 4; plus strand). Cytogenetic location: 18q21.2.
Variant type: single nucleotide variant.
Coding change: c.921G>A on transcript NM_005359.6 (MANE Select); coding-DNA position 921, G replaced by A.
Protein change: p.Glu307=; no amino-acid change (glutamic acid 307 retained).
Molecular consequence: synonymous variant.
Genome position (GRCh38, 1-based): chr18:51,059,882, G>A. VCF-style: chr18-51059882-G-A. GRCh37 (hg19) VCF-style: chr18-48586252-G-A.
Identifiers: ClinVar variation 233198 (VCV000233198.16), dbSNP rs876660255, ClinGen allele CA10580982.